The following is an entry in ClinVar:

NM_018975.4(TERF2IP):c.599C>G (p.Ala200Gly)

Gene: TERF2IP (TERF2 interacting protein; plus strand). Cytogenetic location: 16q23.1.
Variant type: single nucleotide variant.
Coding change: c.599C>G on transcript NM_018975.4 (MANE Select); coding-DNA position 599, C replaced by G.
Protein change: p.Ala200Gly; replaces alanine 200 with glycine.
Molecular consequence: missense variant. On other transcripts: non-coding transcript variant (1).
Genome position (GRCh38, 1-based): chr16:75,648,481, C>G. VCF-style: chr16-75648481-C-G. GRCh37 (hg19) VCF-style: chr16-75682379-C-G.
Other names: short protein forms A200G.
Identifiers: ClinVar variation 2497032 (VCV002497032.6), dbSNP rs2507075099, ClinGen allele CA396818256.

ClinVar aggregate classification (germline): Uncertain significance. Review status: criteria provided, multiple submitters, no conflicts (2 of 4 stars). 3 submissions from 3 submitters: Uncertain significance (3). Last evaluated 2026-08-01.

Submissions (3):

CeGaT Center for Human Genetics Tuebingen
Classification: Uncertain significance. Last evaluated: 2026-08-01. Review status: criteria provided, single submitter. Criteria: CeGaT Center For Human Genetics Tuebingen Variant Classification Criteria Version 2. Collection method: clinical testing. Allele origin: germline. Affected: yes. Observed: 1 variant allele.
Comment: TERF2IP: PM2, BP4

Labcorp Genetics (formerly Invitae), Labcorp
Classification: Uncertain significance. Last evaluated: 2024-08-30. Review status: criteria provided, single submitter. Criteria: Invitae Variant Classification Sherloc (09022015). Collection method: clinical testing. Allele origin: germline.
Comment: This sequence change replaces alanine, which is neutral and non-polar, with glycine, which is neutral and non-polar, at codon 200 of the TERF2IP protein (p.Ala200Gly). This variant is not present in population databases (gnomAD no frequency). This variant has not been reported in the literature in individuals affected with TERF2IP-related conditions. ClinVar contains an entry for this variant (Variation ID: 2497032). An algorithm developed to predict the effect of missense changes on protein structure and function (PolyPhen-2) suggests that this variant is likely to be tolerated. In summary, the available evidence is currently insufficient to determine the role of this variant in disease. Therefore, it has been classified as a Variant of Uncertain Significance.

Ambry Genetics
Classification: Uncertain significance. Last evaluated: 2023-03-09. Review status: criteria provided, single submitter. Criteria: Ambry Variant Classification Scheme 2023. Collection method: clinical testing. Allele origin: germline.
Comment: The p.A200G variant (also known as c.599C>G), located in coding exon 1 of the TERF2IP gene, results from a C to G substitution at nucleotide position 599. The alanine at codon 200 is replaced by glycine, an amino acid with similar properties. This amino acid position is conserved. In addition, this alteration is predicted to be tolerated by in silico analysis. Since supporting evidence is limited at this time, the clinical significance of this alteration remains unclear.